The following is an entry in ClinVar:

NM_015030.2(FRYL):c.112G>A (p.Glu38Lys)

Gene: FRYL (FRY like transcription coactivator; minus strand). Cytogenetic location: 4p11.
Variant type: single nucleotide variant.
Coding change: c.112G>A on transcript NM_015030.2 (MANE Select); coding-DNA position 112, G replaced by A.
Protein change: p.Glu38Lys; replaces glutamic acid 38 with lysine.
Molecular consequence: missense variant.
Genome position (GRCh38, 1-based): chr4:48,634,299, C>T on the plus strand (G>A on the coding strand, the complement: FRYL is on the minus strand). VCF-style: chr4-48634299-C-T. GRCh37 (hg19) VCF-style: chr4-48636316-C-T.
Other names: short protein forms E38K.
Identifiers: ClinVar variation 4531940 (VCV004531940.1).
Genomic context (GRCh38, chr4:48,634,299, plus strand): 5'-TTAATACAAAAGTCAAGAAAATATTTCAGATTTATAGGTCAGCTGTACTCACCAAGGGTT[C>T]GGCCATTACAACTTCAATTTTCTTTTCAGCTTGAACAGCAAATTCTGCAAAGAGGCTCTT-3'
Protein context (NP_055845.1, residues 28-48): AEKKIEVVMA[Glu38Lys]PLEKLLSRSL

ClinVar aggregate classification (germline): Uncertain significance (1 of 4 stars; one submission).

Conditions:
Pan-Chung-Bellen syndrome. Identifiers: MedGen C5975547, MONDO:0975953, OMIM 621049.

Submission:

Victorian Clinical Genetics Services, Murdoch Childrens Research Institute
Classification: Uncertain significance for Pan-Chung-Bellen syndrome. Last evaluated: 2025-07-24. Review status: criteria provided, single submitter. Criteria: ACMG Guidelines, 2015. Collection method: clinical testing. Allele origin: germline. Affected: yes.
Comment: This variant is classified as VUS-3A. Evidence in support of pathogenic classification: Variant is present in gnomAD <0.001 for a dominant condition (v4: 4 heterozygote(s), 0 homozygote(s)); Additional information: Variant is predicted to result in a missense amino acid change from Glu to Lys; This variant is heterozygous; This gene is associated with autosomal dominant disease; This variant has no previous evidence of pathogenicity; No published evidence of segregation with disease has been identified for this variant; No published functional evidence has been identified for this variant; No comparable missense variants have previous evidence for pathogenicity; Variant is not located in an established domain, motif, hotspot or informative constraint region; Missense variant with inconclusive in silico prediction and uninformative conservation; Loss of function is a suggested mechanism of disease in this gene and is associated with Pan-Chung-Bellen syndrome (MIM#621049).